The following is an entry in ClinVar:

NM_206933.4(USH2A):c.6795_6797del (p.Glu2265_Tyr2266delinsAsp)

Gene: USH2A (usherin; minus strand). Cytogenetic location: 1q41.
Variant type: Deletion.
Coding change: c.6795_6797del on transcript NM_206933.4 (MANE Select); coding-DNA positions 6795 to 6797, 3 bases deleted (ATA; older notation c.6795_6797delATA).
Protein change: p.Glu2265_Tyr2266delinsAsp.
Molecular consequence: inframe indel.
Genome position (GRCh38, 1-based): chr1:215,993,028-215,993,030, TAT deleted on the plus strand (ATA on the coding strand, the reverse complement: USH2A is on the minus strand); deleting any 3 consecutive bases within chr1:215,993,028-215,993,031 gives the same sequence; the c. name uses the placement nearest the transcript's 3' end. VCF-style (leftmost placement, unchanged base first): chr1-215993027-ATAT-A. GRCh37 (hg19) VCF-style: chr1-216166369-ATAT-A.
Other names: c.6795_6797del (NM_206933.2).
Identifiers: ClinVar variation 166478 (VCV000166478.20), dbSNP rs727503723, ClinGen allele CA273286.
Genomic context (GRCh38, chr1:215,993,027, plus strand): 5'-AATTTACCTTTGCTAATCATCTTTTTAACTTGAGGCTAAAAGAGTTCACTTACCATTCGG[ATAT>A]TCAGGCTCAGTCCAGGAGACATTAAAGGAGTCAGGTGAATATGAGTGGGCTTTGGGGGCT-3'

ClinVar aggregate classification (germline): Pathogenic/Likely pathogenic. Review status: criteria provided, multiple submitters, no conflicts (2 of 4 stars). 8 submissions from 7 submitters: Pathogenic (3); Likely pathogenic (5). Last evaluated 2026-09-14.

Conditions:
Rare genetic deafness. Identifiers: Orphanet 96210, MedGen C5680250.
USH2A-related disorder. Also called: USH2A-related condition; USH2A-related disorders. Identifiers: MedGen CN239332.
Usher syndrome type 2A. Also called: RETINAL DISEASE IN USHER SYNDROME TYPE IIA, MODIFIER OF; USHER SYNDROME, TYPE IIA. Identifiers: Orphanet 231178, Orphanet 886, MedGen C1848634, MONDO:0010169, OMIM 276901.
Retinitis pigmentosa 39 (RP39). Identifiers: Orphanet 791, MedGen C3151138, MONDO:0013436, OMIM 613809.

Submissions (8):

PreventionGenetics, part of Exact Sciences
Classification: Likely pathogenic for USH2A-related condition. Last evaluated: 2026-09-14. Review status: criteria provided, single submitter. Criteria: ACMG Guidelines, 2015. Collection method: clinical testing. Allele origin: germline.
Comment: The USH2A c.6795_6797delATA variant is predicted to result in an in-frame deletion (p.Glu2265_Tyr2266delinsAsp). This variant has been reported in individuals with Usher syndrome or non-syndromic inherited retinal disease (see for examples: Dreyer et al. 2008. PubMed ID: 18273898; Ge et al. 2015. PubMed ID: 26667666; Table S1, Lin et al. 2024. PubMed ID: 38219857). This variant is present in 0.0016% of alleles in individuals of European (Non-Finnish) descent in gnomAD. This variant is interpreted as likely pathogenic.

Labcorp Genetics (formerly Invitae), Labcorp
Classification: Pathogenic. Last evaluated: 2025-11-23. Review status: criteria provided, single submitter. Criteria: Invitae Variant Classification Sherloc (09022015). Collection method: clinical testing. Allele origin: germline.
Comment: This variant, c.6795_6797del, is a complex sequence change that results in the deletion of 2 and insertion of 1 amino acid(s) in the USH2A protein (p.Glu2265_Tyr2266delinsAsp). This variant is present in population databases (rs727503723, gnomAD 0.002%). This variant has been observed in individual(s) with Usher syndrome (PMID: 22135276, 26667666, 27957503). In at least one individual the data is consistent with being in trans (on the opposite chromosome) from a pathogenic variant. ClinVar contains an entry for this variant (Variation ID: 166478). For these reasons, this variant has been classified as Pathogenic.

Baylor Genetics
Classification: Pathogenic for Retinitis pigmentosa 39. Last evaluated: 2024-03-17. Review status: criteria provided, single submitter. Criteria: ACMG Guidelines, 2015. Collection method: clinical testing. Allele origin: unknown.

Genome-Nilou Lab
Classification: Likely pathogenic for Retinitis pigmentosa 39. Last evaluated: 2023-11-04. Review status: criteria provided, single submitter. Criteria: ACMG Guidelines, 2015. Collection method: clinical testing. Allele origin: germline. Affected: no.

Genome-Nilou Lab
Classification: Likely pathogenic for Usher syndrome type 2A. Last evaluated: 2023-11-04. Review status: criteria provided, single submitter. Criteria: ACMG Guidelines, 2015. Collection method: clinical testing. Allele origin: germline. Affected: no.

Blueprint Genetics
Classification: Pathogenic for USH2A-related disorders. Last evaluated: 2023-07-05. Review status: criteria provided, single submitter. Criteria: ACMG Guidelines, 2015. Collection method: clinical testing. Allele origin: germline. Affected: yes. Observed: 5 variant alleles.

Clinical Genetics Laboratory, Skane University Hospital Lund
Classification: Likely pathogenic. Last evaluated: 2022-05-27. Review status: criteria provided, single submitter. Criteria: ACMG Guidelines, 2015. Collection method: clinical testing. Allele origin: germline. Affected: yes.

Laboratory for Molecular Medicine, Mass General Brigham Personalized Medicine
Classification: Likely pathogenic for Rare genetic deafness. Last evaluated: 2017-07-18. Review status: criteria provided, single submitter. Criteria: LMM Criteria. Collection method: clinical testing. Allele origin: germline. Inheritance: Autosomal recessive inheritance. Observed: 1 variant allele.
Comment: proposed classification - variant undergoing re-assessment, contact laboratory

Literature cited by the submitters: PubMed 22135276 (cited by Labcorp Genetics (formerly Invitae), Labcorp and Laboratory for Molecular Medicine, Mass General Brigham Personalized Medicine); PubMed 26667666 (cited by Labcorp Genetics (formerly Invitae), Labcorp and Laboratory for Molecular Medicine, Mass General Brigham Personalized Medicine); PubMed 27957503 (cited by Labcorp Genetics (formerly Invitae), Labcorp and Laboratory for Molecular Medicine, Mass General Brigham Personalized Medicine); PubMed 18273898 (cited by Laboratory for Molecular Medicine, Mass General Brigham Personalized Medicine).